The following is an entry in ClinVar:

ClinVar aggregate classification (germline): Uncertain significance (1 of 4 stars; one submission).

Conditions:
Emery-Dreifuss muscular dystrophy (EDMD). Also called: Scapuloperoneal syndrome, X-linked (formerly); Humeroperoneal neuromuscular disease, (formerly). Identifiers: Orphanet 261, MedGen C0410189, MONDO:0016830.

gnomAD v4.1: 6 of 1,589,702 alleles (0.00038%); highest among the groups gnomAD compares: African/African-American, 0.0067%; no homozygotes.

Submission:

Labcorp Genetics (formerly Invitae), Labcorp
Classification: Uncertain significance for Emery-Dreifuss muscular dystrophy. Last evaluated: 2025-05-01. Review status: criteria provided, single submitter. Criteria: Invitae Variant Classification Sherloc (09022015). Collection method: clinical testing. Allele origin: germline.
Comment: This sequence change replaces leucine, which is neutral and non-polar, with arginine, which is basic and polar, at codon 472 of the SUN1 protein (p.Leu472Arg). This variant is present in population databases (rs757764937, gnomAD 0.008%). This variant has not been reported in the literature in individuals affected with SUN1-related conditions. An algorithm developed to predict the effect of missense changes on protein structure and function (PolyPhen-2) suggests that this variant is likely to be tolerated. In summary, the available evidence is currently insufficient to determine the role of this variant in disease. Therefore, it has been classified as a Variant of Uncertain Significance.

NM_001130965.3(SUN1):c.1415T>G (p.Leu472Arg)

Gene: SUN1 (Sad1 and UNC84 domain containing 1; plus strand). Cytogenetic location: 7p22.3.
Variant type: single nucleotide variant.
Coding change: c.1415T>G on transcript NM_001130965.3 (MANE Select); coding-DNA position 1415, T replaced by G.
Protein change: p.Leu472Arg; replaces leucine 472 with arginine.
Molecular consequence: missense variant. On other transcripts: non-coding transcript variant (3).
Genome position (GRCh38, 1-based): chr7:857,848, T>G. VCF-style: chr7-857848-T-G. GRCh37 (hg19) VCF-style: chr7-897485-T-G.
Other names: c.1526T>G, p.Leu509Arg (NM_001367685.1, NM_001367664.1); c.1247T>G, p.Leu416Arg (NM_001367686.1); c.1496T>G, p.Leu499Arg (NM_001367688.1); c.1805T>G, p.Leu602Arg (NM_001367699.1, NM_001367678.1); c.1166T>G, p.Leu389Arg (NM_025154.6); c.1625T>G, p.Leu542Arg (NM_001367700.1, NM_001367655.1); c.1316T>G, p.Leu439Arg (NM_001367701.1); c.1427T>G, p.Leu476Arg (NM_001367702.1, NM_001367704.1); and 43 more; short protein forms L319R, L416R, L426R, L449R, L476R, L486R, L499R, L500R.
Identifiers: ClinVar variation 4776138 (VCV004776138.1).